The following is an entry in ClinVar:

NM_004577.4(PSPH):c.120T>A (p.Val40=)

Gene: PSPH (phosphoserine phosphatase; minus strand). Cytogenetic location: 7p11.2.
Variant type: single nucleotide variant.
Coding change: c.120T>A on transcript NM_004577.4 (MANE Select); coding-DNA position 120, T replaced by A.
Protein change: p.Val40=; no amino-acid change (valine 40 retained).
Molecular consequence: synonymous variant.
Genome position (GRCh38, 1-based): chr7:56,021,093, A>T on the plus strand (T>A on the coding strand, the complement: PSPH is on the minus strand). VCF-style: chr7-56021093-A-T. GRCh37 (hg19) VCF-style: chr7-56088786-A-T.
Other names: c.120T>A, p.Val40= (NM_001370503.1, NM_001370504.1, NM_001370505.1 and 17 more transcripts).
Identifiers: ClinVar variation 360512 (VCV000360512.9), dbSNP rs202027697, ClinGen allele CA4268808.

ClinVar aggregate classification (germline): Benign. Review status: criteria provided, multiple submitters, no conflicts (2 of 4 stars). 4 submissions from 4 submitters: Benign (3). 1 of the submissions does not count toward it. Last evaluated 2024-11-27.

Conditions:
Deficiency of phosphoserine phosphatase (PSPHD). Also called: PSPH deficiency; Phosphoserine phosphatase deficiency. Identifiers: Orphanet 79350, MedGen C1291463, MONDO:0013531, OMIM 614023.
PSPH-related disorder. Also called: PSPH-related condition.

Allele frequency attached by ClinVar (database versions not stated): ExAC 0.20211.

Submissions (4):

Blueprint Genetics
Classification: Benign. Last evaluated: 2024-11-27. Review status: criteria provided, single submitter. Criteria: ACMG Guidelines, 2015. Collection method: clinical testing. Allele origin: germline.

Illumina Laboratory Services, Illumina
Classification: Benign for Deficiency of phosphoserine phosphatase. Last evaluated: 2018-01-13. Review status: criteria provided, single submitter. Criteria: ICSL Variant Classification Criteria 13 December 2019. Collection method: clinical testing. Allele origin: germline.
Comment: This variant was observed in the ICSL laboratory as part of a predisposition screen in an ostensibly healthy population. It had not been previously curated by ICSL or reported in the Human Gene Mutation Database (HGMD: prior to June 1st, 2018), and was therefore a candidate for classification through an automated scoring system. Utilizing variant allele frequency, disease prevalence and penetrance estimates, and inheritance mode, an automated score was calculated to assess if this variant is too frequent to cause the disease. Based on the score and internal cut-off values, a variant classified as benign is not then subjected to further curation. The score for this variant resulted in a classification of benign for this disease.

Breakthrough Genomics
Classification: Benign. Review status: criteria provided, single submitter. Criteria: ACMG Guidelines, 2015. Collection method: not provided. Allele origin: germline. Inheritance: Autosomal recessive inheritance. Affected: yes.

PreventionGenetics, part of Exact Sciences
Classification: Likely benign for PSPH-related condition. Last evaluated: 2019-11-13. Review status: no assertion criteria provided. Collection method: clinical testing. Allele origin: germline. Not counted in ClinVar's aggregate classification.
Comment: This variant is classified as likely benign based on ACMG/AMP sequence variant interpretation guidelines (Richards et al. 2015 PMID: 25741868, with internal and published modifications).